The following is an entry in ClinVar:

ClinVar aggregate classification (germline): Uncertain significance (1 of 4 stars; one submission).

Conditions:
Cystic fibrosis (CF). Also called: MUCOVISCIDOSIS. Identifiers: Orphanet 586, MedGen C0010674, MONDO:0009061, OMIM 219700. Disease mechanism: loss of function.

Submission:

Ambry Genetics
Classification: Uncertain significance for Cystic fibrosis. Last evaluated: 2024-06-22. Review status: criteria provided, single submitter. Criteria: Ambry Variant Classification Scheme 2023. Collection method: clinical testing. Allele origin: germline.
Comment: The p.A655S variant (also known as c.1963G>T), located in coding exon 14 of the CFTR gene, results from a G to T substitution at nucleotide position 1963. The alanine at codon 655 is replaced by serine, an amino acid with similar properties. This amino acid position is conserved. In addition, the in silico prediction for this alteration is inconclusive. Based on the available evidence, the clinical significance of this variant remains unclear.

NM_000492.4(CFTR):c.1963G>T (p.Ala655Ser)

Gene: CFTR (CF transmembrane conductance regulator; plus strand). Cytogenetic location: 7q31.2.
Variant type: single nucleotide variant.
Coding change: c.1963G>T on transcript NM_000492.4 (MANE Select); coding-DNA position 1963, G replaced by T.
Protein change: p.Ala655Ser; replaces alanine 655 with serine.
Molecular consequence: missense variant.
Genome position (GRCh38, 1-based): chr7:117,592,130, G>T. VCF-style: chr7-117592130-G-T. GRCh37 (hg19) VCF-style: chr7-117232184-G-T.
Other names: short protein forms A655S.
Identifiers: ClinVar variation 3266703 (VCV003266703.1).